The following is an entry in ClinVar:

NM_003072.5(SMARCA4):c.2904C>T (p.Leu968=)

Gene: SMARCA4 (SWI/SNF related BAF chromatin remodeling complex subunit ATPase 4; plus strand). Cytogenetic location: 19p13.2.
Variant type: single nucleotide variant.
Coding change: c.2904C>T on transcript NM_003072.5 (MANE Select); coding-DNA position 2904, C replaced by T.
Protein change: p.Leu968=; no amino-acid change (leucine 968 retained).
Molecular consequence: synonymous variant. On other transcripts: non-coding transcript variant (1).
Genome position (GRCh38, 1-based): chr19:11,023,562, C>T. VCF-style: chr19-11023562-C-T. GRCh37 (hg19) VCF-style: chr19-11134238-C-T.
Other names: c.2904C>T, p.Leu968= (NM_001128844.3, NM_001128845.2, NM_001128846.2 and 5 more transcripts).
Identifiers: ClinVar variation 1602154 (VCV001602154.9), dbSNP rs779863039, ClinGen allele CA505490409.

ClinVar aggregate classification (germline): Benign/Likely benign. Review status: criteria provided, multiple submitters, no conflicts (2 of 4 stars). 2 submissions from 2 submitters: Benign (1); Likely benign (1). Last evaluated 2026-07-14.

Conditions:
Rhabdoid tumor predisposition syndrome 2 (RTPS2). Identifiers: Orphanet 231108, Orphanet 69077, MedGen C2750074, MONDO:0013224, OMIM 613325.

Submissions (2):

Myriad Genetics, Inc.
Classification: Benign for Rhabdoid tumor predisposition syndrome 2. Last evaluated: 2026-07-14. Review status: criteria provided, single submitter. Criteria: Myriad Autosomal Dominant, Autosomal Recessive and X-Linked Classification Criteria (2023). Collection method: clinical testing. Allele origin: unknown.
Comment: This variant is considered benign. This variant is a silent/synonymous amino acid change and it is not expected to impact splicing.

Labcorp Genetics (formerly Invitae), Labcorp
Classification: Likely benign for Rhabdoid tumor predisposition syndrome 2. Last evaluated: 2023-08-04. Review status: criteria provided, single submitter. Criteria: Invitae Variant Classification Sherloc (09022015). Collection method: clinical testing. Allele origin: germline.